The following is an entry in ClinVar:

ClinVar aggregate classification (germline): Pathogenic/Likely pathogenic. Review status: criteria provided, multiple submitters, no conflicts (2 of 4 stars). 2 submissions from 2 submitters: Pathogenic (1); Likely pathogenic (1). Last evaluated 2024-03-21.

Conditions:
Generalized dominant dystrophic epidermolysis bullosa (DDEB). Also called: DDEB, generalized; DDEB-gen; DYSTROPHIC EPIDERMOLYSIS BULLOSA, AUTOSOMAL DOMINANT; Epidermolysis bullosa dystrophica, autosomal dominant; Dominant DEB (DDEB). Identifiers: Orphanet 231568, MedGen C0432322, MONDO:0007549, OMIM 131750.
Recessive dystrophic epidermolysis bullosa (RDEB). Also called: Hallopeau-Siemens Disease; severe generalized recessive dystrophic epidermolysis bullosa; Epidermolysis Bullosa Distrophica Autosomal Recessive (RDEB); EPIDERMOLYSIS BULLOSA DYSTROPHICA, GENERALIZED SEVERE, AUTOSOMAL RECESSIVE; Recessive DEB (RDEB); DYSTROPHIC EPIDERMOLYSIS BULLOSA, AUTOSOMAL RECESSIVE. Identifiers: Orphanet 79408, Orphanet 79409, MedGen C0079474, MONDO:0009179, OMIM 226600.
Pretibial dystrophic epidermolysis bullosa. Also called: EPIDERMOLYSIS BULLOSA DYSTROPHICA, PRETIBIAL; Pretibial blistering; Pretibial epidermolysis bullosa. Identifiers: Orphanet 79410, MedGen C0432321, MONDO:0007552, OMIM 131850, HP:0012221.
Nonsyndromic congenital nail disorder 8. Also called: TOENAIL DYSTROPHY, ISOLATED. Identifiers: MedGen C1843761, MONDO:0011852, OMIM 607523.
Dominant dystrophic epidermolysis bullosa with absence of skin. Also called: EPIDERMOLYSIS BULLOSA WITH CONGENITAL LOCALIZED ABSENCE OF SKIN AND DEFORMITY OF NAILS; EPIDERMOLYSIS BULLOSA DYSTROPHICA, BART TYPE. Identifiers: MedGen C0268371, MONDO:0007557, OMIM 132000.
Transient bullous dermolysis of the newborn (TBDN). Also called: DYSTROPHIC EPIDERMOLYSIS BULLOSA, NEONATAL; EPIDERMOLYSIS BULLOSA DYSTROPHICA, NEONATAL FORM. Identifiers: Orphanet 79411, MedGen C1851573, MONDO:0007548, OMIM 131705.
Epidermolysis bullosa pruriginosa. Also called: DEB, PRURIGINOSA; DYSTROPHIC EPIDERMOLYSIS BULLOSA PRURIGINOSA. Identifiers: Orphanet 89843, MedGen C1275114, MONDO:0011398, OMIM 604129.

Submissions (2):

Fulgent Genetics
Classification: Likely pathogenic for Transient bullous dermolysis of the newborn; Generalized dominant dystrophic epidermolysis bullosa; Pretibial dystrophic epidermolysis bullosa; Dominant dystrophic epidermolysis bullosa with absence of skin; Recessive dystrophic epidermolysis bullosa; Epidermolysis bullosa pruriginosa; Nonsyndromic congenital nail disorder 8. Last evaluated: 2024-03-21. Review status: criteria provided, single submitter. Criteria: ACMG Guidelines, 2015. Collection method: clinical testing. Allele origin: germline.

Labcorp Genetics (formerly Invitae), Labcorp
Classification: Pathogenic. Last evaluated: 2018-12-10. Review status: criteria provided, single submitter. Criteria: Invitae Variant Classification Sherloc (09022015). Collection method: clinical testing. Allele origin: germline.
Comment: This sequence change creates a premature translational stop signal (p.Glu1923Serfs*82) in the COL7A1 gene. It is expected to result in an absent or disrupted protein product. This variant is not present in population databases (ExAC no frequency). This variant has not been reported in the literature in individuals with COL7A1-related conditions. Loss-of-function variants in COL7A1 are known to be pathogenic (PMID: 16971478). For these reasons, this variant has been classified as Pathogenic.

Literature cited by the submitters: PubMed 16971478 (cited by Labcorp Genetics (formerly Invitae), Labcorp).

NM_000094.4(COL7A1):c.5767del (p.Glu1923fs)

Gene: COL7A1 (collagen type VII alpha 1 chain; minus strand). Cytogenetic location: 3p21.31.
Variant type: Deletion.
Coding change: c.5767del on transcript NM_000094.4 (MANE Select); coding-DNA position 5767, one base deleted (G; older notation c.5767delG).
Protein change: p.Glu1923fs; shifts the reading frame from glutamic acid 1923.
Molecular consequence: frameshift variant.
Genome position (GRCh38, 1-based): chr3:48,576,405, C deleted on the plus strand (G on the coding strand, the reverse complement: COL7A1 is on the minus strand); the first of 4 consecutive C bases (chr3:48,576,405-48,576,408); deleting any one gives the same sequence. VCF-style (leftmost placement, unchanged base first): chr3-48576404-TC-T. GRCh37 (hg19) VCF-style: chr3-48613837-TC-T.
Other names: c.5767delG (NM_000094.3); short protein forms E1923fs.
Identifiers: ClinVar variation 647209 (VCV000647209.6), dbSNP rs1575442816, ClinGen allele CA915942514.
Genomic context (GRCh38, chr3:48,576,404, plus strand): 5'-TGTGCACATGTGGGTGCTGTGGCTACCTGGGCATGTGGAAAAGGTGGGGGCCTCACCTGC[TC>T]CCCTTTGGATCCAGTCTCCCCACGGTCACCCTGAAAACAAGAATGACCAGGTGGGGAAAT-3'